The following is an entry in ClinVar:

ClinVar aggregate classification (germline): Conflicting classifications of pathogenicity. Review status: criteria provided, conflicting classifications (1 of 4 stars). 3 submissions from 3 submitters: Uncertain significance (2); Likely benign (1). Last evaluated 2026-01-27.

Conditions:
Sinoatrial node dysfunction and deafness (SANDD). Identifiers: Orphanet 324321, MedGen C3554018, MONDO:0013960, OMIM 614896.
Aldosterone-producing adenoma with seizures and neurological abnormalities. Also called: Primary aldosteronism, seizures, and neurologic abnormalities. Identifiers: Orphanet 369929, MedGen C3809609, MONDO:0014200, OMIM 615474.

Allele frequency attached by ClinVar (database versions not stated): gnomAD exomes 0.00002 and 0.00005; ExAC 0.00003; ESP Exome Variant Server 0.00008; gnomAD 0.00013; TOPMed 0.00021.
gnomAD v4.1: 51 of 1,613,818 alleles (0.0032%); highest among the groups gnomAD compares: African/African-American, 0.051%; no homozygotes.

Submissions (3):

Labcorp Genetics (formerly Invitae), Labcorp
Classification: Likely benign. Last evaluated: 2026-01-27. Review status: criteria provided, single submitter. Criteria: Invitae Variant Classification Sherloc (09022015). Collection method: clinical testing. Allele origin: germline.

Fulgent Genetics
Classification: Uncertain significance for Sinoatrial node dysfunction and deafness; Aldosterone-producing adenoma with seizures and neurological abnormalities. Last evaluated: 2024-04-30. Review status: criteria provided, single submitter. Criteria: ACMG Guidelines, 2015. Collection method: clinical testing. Allele origin: germline.

GeneDx
Classification: Uncertain significance. Last evaluated: 2022-03-31. Review status: criteria provided, single submitter. Criteria: GeneDx Variant Classification Process June 2021. Collection method: clinical testing. Allele origin: germline. Affected: yes.
Comment: In silico analysis supports that this missense variant has a deleterious effect on protein structure/function; Has not been previously published as pathogenic or benign to our knowledge

NM_001128840.3(CACNA1D):c.5971C>T (p.Arg1991Trp)

Gene: CACNA1D (calcium voltage-gated channel subunit alpha1 D; plus strand). Cytogenetic location: 3p21.1.
Variant type: single nucleotide variant.
Coding change: c.5971C>T on transcript NM_001128840.3 (MANE Select); coding-DNA position 5971, C replaced by T.
Protein change: p.Arg1991Trp; replaces arginine 1991 with tryptophan.
Molecular consequence: missense variant.
Genome position (GRCh38, 1-based): chr3:53,810,077, C>T. VCF-style: chr3-53810077-C-T. GRCh37 (hg19) VCF-style: chr3-53844104-C-T.
Other names: c.6031C>T, p.Arg2011Trp (NM_000720.4); c.5899C>T, p.Arg1967Trp (NM_001128839.3); short protein forms R1991W, R2011W, R1967W.
Identifiers: ClinVar variation 1445626 (VCV001445626.10), dbSNP rs367976757, ClinGen allele CA2455334.
Genomic context (GRCh38, chr3:53,810,077, plus strand): 5'-AAGTACTCACCGAGTCACTCGACCCGGTCGTGGGCCACCCCTCCAGCAACCCCTCCCTAC[C>T]GGGACTGGACACCGTGCTACACCCCCCTGATCCAAGTGGAGCAGTCAGAGGCCCTGGACC-3'
Protein context (NP_001122312.1, residues 1981-2001): WATPPATPPY[Arg1991Trp]DWTPCYTPLI